The following is an entry in ClinVar:

NM_002618.4(PEX13):c.288T>C (p.Tyr96=)

Gene: PEX13 (peroxisomal biogenesis factor 13; plus strand). Cytogenetic location: 2p15.
Variant type: single nucleotide variant.
Coding change: c.288T>C on transcript NM_002618.4 (MANE Select); coding-DNA position 288, T replaced by C.
Protein change: p.Tyr96=; no amino-acid change (tyrosine 96 retained).
Molecular consequence: synonymous variant.
Genome position (GRCh38, 1-based): chr2:61,031,614, T>C. VCF-style: chr2-61031614-T-C. GRCh37 (hg19) VCF-style: chr2-61258749-T-C.
Identifiers: ClinVar variation 3345373 (VCV003345373.1).

ClinVar aggregate classification (germline): Likely benign (0 of 4 stars; one submission).

Conditions:
PEX13-related disorder. Also called: PEX13-related disorders; PEX13-related condition.

gnomAD v4.1: 1 of 1,614,150 alleles (0.000062%); highest among the groups gnomAD compares: Non-Finnish European, 0.000085%; no homozygotes.

Submission:

PreventionGenetics, part of Exact Sciences
Classification: Likely benign for PEX13-related condition. Last evaluated: 2024-09-17. Review status: no assertion criteria provided. Collection method: clinical testing. Allele origin: germline.
Comment: This variant is classified as likely benign based on ACMG/AMP sequence variant interpretation guidelines (Richards et al. 2015 PMID: 25741868, with internal and published modifications).